The following is an entry in ClinVar:

ClinVar aggregate classification (germline): Uncertain significance (1 of 4 stars; one submission).

Allele frequency attached by ClinVar (database versions not stated): gnomAD exomes below 0.00001.
gnomAD v4.1: 2 of 1,613,434 alleles (0.00012%); highest among the groups gnomAD compares: South Asian, 0.0011%; no homozygotes.

Submission:

Ambry Genetics
Classification: Uncertain significance. Last evaluated: 2022-04-09. Review status: criteria provided, single submitter. Criteria: Ambry Variant Classification Scheme 2023. Collection method: clinical testing. Allele origin: germline.
Comment: The p.S1539F variant (also known as c.4616C>T), located in coding exon 36 of the PRKDC gene, results from a C to T substitution at nucleotide position 4616. The serine at codon 1539 is replaced by phenylalanine, an amino acid with highly dissimilar properties. This amino acid position is conserved. Since supporting evidence is limited at this time, the clinical significance of this alteration remains unclear.

NM_006904.7(PRKDC):c.4616C>T (p.Ser1539Phe)

Gene: PRKDC (protein kinase, DNA-activated, catalytic subunit; minus strand). Cytogenetic location: 8q11.21.
Variant type: single nucleotide variant.
Coding change: c.4616C>T on transcript NM_006904.7 (MANE Select); coding-DNA position 4616, C replaced by T.
Protein change: p.Ser1539Phe; replaces serine 1539 with phenylalanine.
Molecular consequence: missense variant.
Genome position (GRCh38, 1-based): chr8:47,886,104, G>A on the plus strand (C>T on the coding strand, the complement: PRKDC is on the minus strand). VCF-style: chr8-47886104-G-A. GRCh37 (hg19) VCF-style: chr8-48798665-G-A.
Other names: c.4616C>T, p.Ser1539Phe (NM_001081640.2); short protein forms S1539F.
Identifiers: ClinVar variation 1741920 (VCV001741920.2), dbSNP rs2089323694, ClinGen allele CA371143241.
Genomic context (GRCh38, chr8:47,886,104, plus strand): 5'-AAATACTCCCCATGGGAGAAGTGGATGACGCTGCCCTGTGAGCTGCCCAAGGACGCCGTG[G>A]ACAGCACCGCTGGGTTCAGGAGAAGACTCACAAGGCGCTCACACTGGGAAAAAGAAAGGA-3'
Protein context (NP_008835.5, residues 1529-1549): VSLLLNPAVL[Ser1539Phe]TASLGSSQGS